The following is an entry in ClinVar:

NM_012431.3(SEMA3E):c.901G>A (p.Gly301Arg)

Gene: SEMA3E (semaphorin 3E; minus strand). Cytogenetic location: 7q21.11.
Variant type: single nucleotide variant.
Coding change: c.901G>A on transcript NM_012431.3 (MANE Select); coding-DNA position 901, G replaced by A.
Protein change: p.Gly301Arg; replaces glycine 301 with arginine.
Molecular consequence: missense variant.
Genome position (GRCh38, 1-based): chr7:83,405,972, C>T on the plus strand (G>A on the coding strand, the complement: SEMA3E is on the minus strand). VCF-style: chr7-83405972-C-T. GRCh37 (hg19) VCF-style: chr7-83035288-C-T.
Other names: c.721G>A, p.Gly241Arg (NM_001178129.2); short protein forms G241R, G301R.
Identifiers: ClinVar variation 2116341 (VCV002116341.4), dbSNP rs2484317588, ClinGen allele CA367929925.
Genomic context (GRCh38, chr7:83,405,972, plus strand): 5'-AAGAGCAAATTTAATTCACCTAAAAACATTTACCTAATTCATCAAAATATGTGTCAATTC[C>T]ATTCATTCCTGGTACTGAGCAAACGAGTCTCGCTTTTAGGAAAGTGCTCCACTTATTCAC-3'
Protein context (NP_036563.1, residues 291-311): RLVCSVPGMN[Gly301Arg]IDTYFDELED

ClinVar aggregate classification (germline): Uncertain significance (1 of 4 stars; one submission).

Conditions:
CHARGE syndrome (CHARGE). Also called: Hittner Hirsch Kreh syndrome; CHARGE ASSOCIATION--COLOBOMA, HEART ANOMALY, CHOANAL ATRESIA, RETARDATION, GENITAL AND EAR ANOMALIES; Coloboma, heart anomaly, choanal atresia, retardation, genital and ear anomalies; CHARGE association; Hall-Hittner syndrome. Identifiers: Orphanet 138, MedGen C0265354, MONDO:0008965.

Submission:

Labcorp Genetics (formerly Invitae), Labcorp
Classification: Uncertain significance for CHARGE syndrome. Last evaluated: 2022-05-05. Review status: criteria provided, single submitter. Criteria: Invitae Variant Classification Sherloc (09022015). Collection method: clinical testing. Allele origin: germline.
Comment: In summary, the available evidence is currently insufficient to determine the role of this variant in disease. Therefore, it has been classified as a Variant of Uncertain Significance. Algorithms developed to predict the effect of missense changes on protein structure and function output the following: SIFT: "Deleterious"; PolyPhen-2: "Benign"; Align-GVGD: "Class C15". The arginine amino acid residue is found in multiple mammalian species, which suggests that this missense change does not adversely affect protein function. This variant has not been reported in the literature in individuals affected with SEMA3E-related conditions. This variant is not present in population databases (gnomAD no frequency). This sequence change replaces glycine, which is neutral and non-polar, with arginine, which is basic and polar, at codon 301 of the SEMA3E protein (p.Gly301Arg).